The following is an entry in ClinVar:

NM_014795.4(ZEB2):c.2342A>G (p.Asn781Ser)

Gene: ZEB2 (zinc finger E-box binding homeobox 2; minus strand). Cytogenetic location: 2q22.3.
Variant type: single nucleotide variant.
Coding change: c.2342A>G on transcript NM_014795.4 (MANE Select); coding-DNA position 2342, A replaced by G.
Protein change: p.Asn781Ser; replaces asparagine 781 with serine.
Molecular consequence: missense variant.
Genome position (GRCh38, 1-based): chr2:144,398,845, T>C on the plus strand (A>G on the coding strand, the complement: ZEB2 is on the minus strand). VCF-style: chr2-144398845-T-C. GRCh37 (hg19) VCF-style: chr2-145156412-T-C.
Other names: c.2270A>G, p.Asn757Ser (NM_001171653.2); short protein forms N757S, N781S.
Identifiers: ClinVar variation 698511 (VCV000698511.12), dbSNP rs750936389, ClinGen allele CA1898257.

ClinVar aggregate classification (germline): Conflicting classifications of pathogenicity. Review status: criteria provided, conflicting classifications (1 of 4 stars). 3 submissions from 3 submitters: Uncertain significance (2); Likely benign (1). Last evaluated 2025-08-30.

Conditions:
Inborn genetic diseases. Identifiers: MedGen C0950123, MeSH D030342.
Mowat-Wilson syndrome (MOWS). Also called: Classic Mowat-Wilson Syndrome. Identifiers: Orphanet 2152, MedGen C1856113, MONDO:0009341, OMIM 235730.
ZEB2-related disorder. Also called: ZEB2-related condition.

Allele frequency attached by ClinVar (database versions not stated): gnomAD exomes below 0.00001; ExAC 0.00001; TOPMed 0.00001; gnomAD 0.00002.
gnomAD v4.1: 8 of 1,613,998 alleles (0.0005%); highest among the groups gnomAD compares: Admixed American, 0.0083%; no homozygotes.

Submissions (3):

Labcorp Genetics (formerly Invitae), Labcorp
Classification: Likely benign for Mowat-Wilson syndrome. Last evaluated: 2025-08-30. Review status: criteria provided, single submitter. Criteria: Invitae Variant Classification Sherloc (09022015). Collection method: clinical testing. Allele origin: germline.

PreventionGenetics, part of Exact Sciences
Classification: Uncertain significance for ZEB2-related condition. Last evaluated: 2022-11-21. Review status: criteria provided, single submitter. Criteria: ACMG Guidelines, 2015. Collection method: clinical testing. Allele origin: germline.
Comment: The ZEB2 c.2342A>G variant is predicted to result in the amino acid substitution p.Asn781Ser. To our knowledge, this variant has not been reported in the literature. This variant is reported in 0.00088% of alleles in individuals of European (Non-Finnish) descent in gnomAD. At this time, the clinical significance of this variant is uncertain due to the absence of conclusive functional and genetic evidence.

Ambry Genetics
Classification: Uncertain significance for Inborn genetic diseases. Last evaluated: 2021-06-30. Review status: criteria provided, single submitter. Criteria: Ambry Variant Classification Scheme 2023. Collection method: clinical testing. Allele origin: germline.